The following is an entry in ClinVar:

NM_000530.8(MPZ):c.449-9C>T

Gene: MPZ (myelin protein zero; minus strand). Cytogenetic location: 1q23.3.
Variant type: single nucleotide variant.
Coding change: c.449-9C>T on transcript NM_000530.8 (MANE Select); 9 bases into the intron before coding-DNA position 449, C replaced by T.
Molecular consequence: intron variant.
Genome position (GRCh38, 1-based): chr1:161,306,473, G>A on the plus strand (C>T on the coding strand, the complement: MPZ is on the minus strand). VCF-style: chr1-161306473-G-A. GRCh37 (hg19) VCF-style: chr1-161276263-G-A.
Other names: chr1:161306473G>A; c.449-9C>T (NM_001315491.2, LRG_256t1).
Identifiers: ClinVar variation 637329 (VCV000637329.12), dbSNP rs750530042, ClinGen allele CA1210159.

ClinVar aggregate classification (germline): Likely benign. Review status: criteria provided, multiple submitters, no conflicts (2 of 4 stars). 3 submissions from 3 submitters: Likely benign (2). 1 of the submissions does not count toward it. Last evaluated 2024-02-23.

Conditions:
Charcot-Marie-Tooth disease, type I (CMT1). Also called: Charcot-Marie-Tooth disease type 1; Charcot-Marie-Tooth, Type 1. Identifiers: Orphanet 65753, MedGen C0751036, MONDO:0019011.
Charcot-Marie-Tooth disease type 1B. Also called: PERONEAL MUSCULAR ATROPHY; CHARCOT-MARIE-TOOTH DISEASE, AUTOSOMAL DOMINANT, WITH FOCALLY FOLDED MYELIN SHEATHS, TYPE 1B; CHARCOT-MARIE-TOOTH DISEASE, SLOW NERVE CONDUCTION TYPE, LINKED TO DUFFY; CHARCOT-MARIE-TOOTH NEUROPATHY, TYPE 1B; HEREDITARY MOTOR AND SENSORY NEUROPATHY I; HEREDITARY MOTOR AND SENSORY NEUROPATHY IB. Identifiers: Orphanet 101082, MedGen C0270912, MONDO:0007307, OMIM 118200.
Charcot-Marie-Tooth disease. Also called: Charcot-Marie-Tooth Hereditary Neuropathy; Charcot-Marie-Tooth Neuropathy. Identifiers: Orphanet 166, MedGen C0007959, MONDO:0015626.

Allele frequency attached by ClinVar (database versions not stated): gnomAD exomes 0.00002; ExAC 0.00003.
gnomAD v4.1: 10 of 1,614,200 alleles (0.00062%); highest among the groups gnomAD compares: Non-Finnish European, 0.00085%; no homozygotes.

Submissions (3):

Labcorp Genetics (formerly Invitae), Labcorp
Classification: Likely benign for Charcot-Marie-Tooth disease, type I. Last evaluated: 2024-02-23. Review status: criteria provided, single submitter. Criteria: Invitae Variant Classification Sherloc (09022015). Collection method: clinical testing. Allele origin: germline.

Laboratory of Functional Genomics, Research Centre for Medical Genetics
Classification: Likely benign for Charcot-Marie-Tooth disease type 1B. Last evaluated: 2023-01-10. Review status: criteria provided, single submitter. Criteria: ACMG Guidelines, 2015. Collection method: research, in vitro. Allele origin: unknown, not applicable. Inheritance: Autosomal dominant inheritance. Affected: yes. Observed: 1 heterozygote. Functional consequence: Normal function.
Comment: In the GnomAD database, the frequency of the MPZ (NM_000530.8): c.449-9C>T variant is 0.00004469 in non-Finnish Europeans in a heterozygous state (on 5 alleles out of 111 880), and in the control cohort of patients without neural pathology – on 1 out of 87 768 alleles in a person above the age of 80 years. According to the Human Splicing Finder, the variant does not affect splicing. SpliceAI also shows the absence of effect of MPZ (NM_000530.8): c.449-9C>T on splicing. To evaluate the variants’ pathogenicity, minigene splicing assay was performed, which did not show any effect of the MPZ variant on splicing. In summary, the variant meets our criteria to be classified as likely benign.

Inherited Neuropathy Consortium
Classification: Uncertain significance for Charcot-Marie-Tooth disease. Review status: no assertion criteria provided. Collection method: literature only. Allele origin: germline. Affected: yes. Not counted in ClinVar's aggregate classification.

Literature cited by the submitters: PubMed 19691535 (cited by Inherited Neuropathy Consortium).